The following is an entry in ClinVar:

ClinVar aggregate classification (germline): Likely benign (1 of 4 stars; one submission).

Submission:

CeGaT Center for Human Genetics Tuebingen
Classification: Likely benign. Last evaluated: 2026-04-01. Review status: criteria provided, single submitter. Criteria: CeGaT Center For Human Genetics Tuebingen Variant Classification Criteria Version 2. Collection method: clinical testing. Allele origin: germline. Affected: yes. Observed: 2 variant alleles.
Comment: KIF26A: BP4

NC_000014.9:g.104136608G>A

Genes: KIF26A (kinesin family member 26A; plus strand), KIF26A-DT (KIF26A divergent transcript; minus strand). Cytogenetic location: 14q32.33.
Variant type: single nucleotide variant.
Genome position: GRCh38 VCF-style: chr14-104136608-G-A. GRCh37 (hg19) VCF-style: chr14-104602945-G-A.
Identifiers: ClinVar variation 4874173 (VCV004874173.2).